The following is an entry in ClinVar:

ClinVar aggregate classification (germline): Benign (1 of 4 stars; one submission).

Allele frequency attached by ClinVar (database versions not stated): 1000 Genomes Project 0.11761; 1000 Genomes Project 30x 0.11790; gnomAD 0.12261 and 0.12431; TOPMed 0.12311.
gnomAD v4.1: 19,018 of 152,206 alleles (12%); highest among the groups gnomAD compares: Middle Eastern, 20%; 1,584 homozygotes.

Submission:

GeneDx
Classification: Benign. Last evaluated: 2018-06-14. Review status: criteria provided, single submitter. Criteria: GeneDx Variant Classification (06012015). Collection method: clinical testing. Allele origin: germline. Affected: yes.
Comment: This variant is considered likely benign or benign based on one or more of the following criteria: it is a conservative change, it occurs at a poorly conserved position in the protein, it is predicted to be benign by multiple in silico algorithms, and/or has population frequency not consistent with disease.

NM_032578.4(MYPN):c.2704-336T>C

Gene: MYPN (myopalladin; plus strand). Cytogenetic location: 10q21.3.
Variant type: single nucleotide variant.
Coding change: c.2704-336T>C on transcript NM_032578.4 (MANE Select); 336 bases into the intron before coding-DNA position 2704, T replaced by C.
Molecular consequence: intron variant.
Genome position (GRCh38, 1-based): chr10:68,188,569, T>C. VCF-style: chr10-68188569-T-C. GRCh37 (hg19) VCF-style: chr10-69948326-T-C.
Other names: c.2704-336T>C (NM_001256267.2); c.1822-336T>C (NM_001256268.2).
Identifiers: ClinVar variation 669866 (VCV000669866.1), dbSNP rs16925246, ClinGen allele CA15673659.